The following is an entry in ClinVar:

NM_000254.3(MTR):c.1247A>G (p.Asn416Ser)

Gene: MTR (5-methyltetrahydrofolate-homocysteine methyltransferase; plus strand). Cytogenetic location: 1q43.
Variant type: single nucleotide variant.
Coding change: c.1247A>G on transcript NM_000254.3 (MANE Select); coding-DNA position 1247, A replaced by G.
Protein change: p.Asn416Ser; replaces asparagine 416 with serine.
Molecular consequence: missense variant.
Genome position (GRCh38, 1-based): chr1:236,835,605, A>G. VCF-style: chr1-236835605-A-G. GRCh37 (hg19) VCF-style: chr1-236998905-A-G.
Other names: c.1247A>G, p.Asn416Ser (NM_001291939.1, NM_001410942.1); c.26A>G, p.Asn9Ser (NM_001291940.2); short protein forms N416S, N9S.
Identifiers: ClinVar variation 2044642 (VCV002044642.1), dbSNP rs756065494, ClinGen allele CA1474036.

ClinVar aggregate classification (germline): Uncertain significance (1 of 4 stars; one submission).

Conditions:
Methylcobalamin deficiency type cblG (HMAG). Also called: HOMOCYSTINURIA-MEGALOBLASTIC ANEMIA, cblG TYPE; HOMOCYSTINURIA-MEGALOBLASTIC ANEMIA DUE TO DEFECT IN COBALAMIN METABOLISM, cblG COMPLEMENTATION TYPE; Functional methionine synthase deficiency type cblG; HOMOCYSTINURIA-MEGALOBLASTIC ANEMIA, cblG COMPLEMENTATION TYPE. Identifiers: Orphanet 2170, Orphanet 622, MedGen C1855128, MONDO:0009609, OMIM 250940.

Allele frequency attached by ClinVar (database versions not stated): ExAC 0.00002.

Submission:

Labcorp Genetics (formerly Invitae), Labcorp
Classification: Uncertain significance for Methylcobalamin deficiency type cblG. Last evaluated: 2022-05-12. Review status: criteria provided, single submitter. Criteria: Invitae Variant Classification Sherloc (09022015). Collection method: clinical testing. Allele origin: germline.
Comment: This sequence change replaces asparagine, which is neutral and polar, with serine, which is neutral and polar, at codon 416 of the MTR protein (p.Asn416Ser). This variant is present in population databases (rs756065494, gnomAD 0.02%). This variant has not been reported in the literature in individuals affected with MTR-related conditions. Algorithms developed to predict the effect of missense changes on protein structure and function are either unavailable or do not agree on the potential impact of this missense change (SIFT: "Deleterious"; PolyPhen-2: "Probably Damaging"; Align-GVGD: "Class C0"). In summary, the available evidence is currently insufficient to determine the role of this variant in disease. Therefore, it has been classified as a Variant of Uncertain Significance.